The following is an entry in ClinVar:

NM_000326.5(RLBP1):c.529T>C (p.Leu177=)

Gene: RLBP1 (retinaldehyde binding protein 1; minus strand). Cytogenetic location: 15q26.1.
Variant type: single nucleotide variant.
Coding change: c.529T>C on transcript NM_000326.5 (MANE Select); coding-DNA position 529, T replaced by C.
Protein change: p.Leu177=; no amino-acid change (leucine 177 retained).
Molecular consequence: synonymous variant.
Genome position (GRCh38, 1-based): chr15:89,211,898, A>G on the plus strand (T>C on the coding strand, the complement: RLBP1 is on the minus strand). VCF-style: chr15-89211898-A-G. GRCh37 (hg19) VCF-style: chr15-89755129-A-G.
Identifiers: ClinVar variation 720750 (VCV000720750.15), dbSNP rs78719794, ClinGen allele CA7722246.

ClinVar aggregate classification (germline): Benign/Likely benign. Review status: criteria provided, multiple submitters, no conflicts (2 of 4 stars). 5 submissions from 3 submitters: Benign (2); Likely benign (3). Last evaluated 2026-01-31.

Conditions:
Newfoundland cone-rod dystrophy. Identifiers: MedGen C1843815, MONDO:0011839, OMIM 607476.
Pigmentary retinal dystrophy. Also called: Fundus albipunctatus. Identifiers: Orphanet 227796, Orphanet 52427, MedGen C0311338, MONDO:0007639, OMIM 136880, HP:0030642.
Retinitis pigmentosa (RP). Identifiers: Orphanet 791, MedGen C0035334, MeSH D012174, MONDO:0019200, OMIM 268000. Inheritance: Autosomal dominant, autosomal recessive and X linked inheritance.

Allele frequency attached by ClinVar (database versions not stated): gnomAD exomes 0.00117 and 0.00323; ExAC 0.00393; gnomAD 0.01250 and 0.01311; TOPMed 0.01399; ESP Exome Variant Server 0.01446; 1000 Genomes Project 0.01458; 1000 Genomes Project 30x 0.01640.
gnomAD v4.1: 3,696 of 1,614,212 alleles (0.23%); highest among the groups gnomAD compares: African/African-American, 4.2%; 69 homozygotes.

Submissions (5):

Labcorp Genetics (formerly Invitae), Labcorp
Classification: Benign. Last evaluated: 2026-01-31. Review status: criteria provided, single submitter. Criteria: Invitae Variant Classification Sherloc (09022015). Collection method: clinical testing. Allele origin: germline.

Illumina Laboratory Services, Illumina
Classification: Likely benign for Pigmentary retinal dystrophy. Last evaluated: 2018-01-13. Review status: criteria provided, single submitter. Criteria: ICSL Variant Classification Criteria 13 December 2019. Collection method: clinical testing. Allele origin: germline.
Comment: This variant was observed in the ICSL laboratory as part of a predisposition screen in an ostensibly healthy population. It had not been previously curated by ICSL or reported in the Human Gene Mutation Database (HGMD: prior to June 1st, 2018), and was therefore a candidate for classification through an automated scoring system. Utilizing variant allele frequency, disease prevalence and penetrance estimates, and inheritance mode, an automated score was calculated to assess if this variant is too frequent to cause the disease. Based on the score and internal cut-off values, a variant classified as likely benign is not then subjected to further curation. The score for this variant resulted in a classification of likely benign for this disease.

Illumina Laboratory Services, Illumina
Classification: Benign for Newfoundland cone-rod dystrophy. Last evaluated: 2018-01-13. Review status: criteria provided, single submitter. Criteria: ICSL Variant Classification Criteria 13 December 2019. Collection method: clinical testing. Allele origin: germline.
Comment: This variant was observed in the ICSL laboratory as part of a predisposition screen in an ostensibly healthy population. It had not been previously curated by ICSL or reported in the Human Gene Mutation Database (HGMD: prior to June 1st, 2018), and was therefore a candidate for classification through an automated scoring system. Utilizing variant allele frequency, disease prevalence and penetrance estimates, and inheritance mode, an automated score was calculated to assess if this variant is too frequent to cause the disease. Based on the score and internal cut-off values, a variant classified as benign is not then subjected to further curation. The score for this variant resulted in a classification of benign for this disease.

Illumina Laboratory Services, Illumina
Classification: Likely benign for Retinitis pigmentosa. Last evaluated: 2018-01-13. Review status: criteria provided, single submitter. Criteria: ICSL Variant Classification Criteria 13 December 2019. Collection method: clinical testing. Allele origin: germline.
Comment: the same text as in the submission from Illumina Laboratory Services, Illumina above.

Breakthrough Genomics
Classification: Likely benign. Review status: criteria provided, single submitter. Criteria: ACMG Guidelines, 2015. Collection method: not provided. Allele origin: germline. Inheritance: Autosomal recessive inheritance. Affected: yes.